The following is an entry in ClinVar:

ClinVar aggregate classification (germline): Uncertain significance. Review status: criteria provided, multiple submitters, no conflicts (2 of 4 stars). 3 submissions from 3 submitters: Uncertain significance (3). Last evaluated 2026-01-02.

Conditions:
Inborn genetic diseases. Identifiers: MedGen C0950123, MeSH D030342.
Malignant hyperthermia, susceptibility to, 1 (MHS1). Also called: Anesthesia related hyperthermia; Malignant hyperpyrexia; Fulminating hyperpyrexia; Pharmacogenic myopathy; RYR1-Related Malignant Hyperthermia Susceptibility; Malignant hyperthermia suceptibility 1. Identifiers: Orphanet 423, MedGen C2930980, MONDO:0007783, OMIM 145600.
RYR1-related disorder. Also called: RYR1-related condition; RYR1-related disorders. Identifiers: MedGen CN239331.

Allele frequency attached by ClinVar (database versions not stated): TOPMed below 0.00001; gnomAD 0.00002 and 0.00004; gnomAD exomes 0.00003 and 0.00005; ExAC 0.00007.
gnomAD v4.1: 47 of 1,600,120 alleles (0.0029%); highest among the groups gnomAD compares: South Asian, 0.037%; 1 homozygote.

Submissions (3):

Labcorp Genetics (formerly Invitae), Labcorp
Classification: Uncertain significance for RYR1-related disorder. Last evaluated: 2026-01-02. Review status: criteria provided, single submitter. Criteria: Invitae Variant Classification Sherloc (09022015). Collection method: clinical testing. Allele origin: germline.
Comment: This sequence change replaces alanine, which is neutral and non-polar, with threonine, which is neutral and polar, at codon 1318 of the RYR1 protein (p.Ala1318Thr). This variant is present in population databases (rs755824571, gnomAD 0.03%). This variant has not been reported in the literature in individuals affected with RYR1-related conditions. ClinVar contains an entry for this variant (Variation ID: 1494426). Invitae Evidence Modeling of protein sequence and biophysical properties (such as structural, functional, and spatial information, amino acid conservation, physicochemical variation, residue mobility, and thermodynamic stability) indicates that this missense variant is not expected to disrupt RYR1 protein function with a negative predictive value of 95%. In summary, the available evidence is currently insufficient to determine the role of this variant in disease. Therefore, it has been classified as a Variant of Uncertain Significance.

Color Diagnostics, LLC DBA Color Health
Classification: Uncertain significance for Malignant hyperthermia, susceptibility to, 1. Last evaluated: 2025-09-09. Review status: criteria provided, single submitter. Criteria: ACMG Guidelines, 2015. Collection method: clinical testing. Allele origin: germline.
Comment: This missense variant replaces alanine with threonine at codon 1318 of the RYR1 protein. Computational prediction suggests that this variant may not impact protein structure and function. To our knowledge, functional studies have not been reported for this variant. This variant has not been reported in individuals affected with RYR1-related disorders in the literature. This variant has been identified in 10/215498 chromosomes in the general population by the Genome Aggregation Database (gnomAD). The available evidence is insufficient to determine the role of this variant in disease conclusively. Therefore, this variant is classified as a Variant of Uncertain Significance.

Ambry Genetics
Classification: Uncertain significance for Inborn genetic diseases. Last evaluated: 2024-01-16. Review status: criteria provided, single submitter. Criteria: Ambry Variant Classification Scheme 2023. Collection method: clinical testing. Allele origin: germline.

NM_000540.3(RYR1):c.3952G>A (p.Ala1318Thr)

Gene: RYR1 (ryanodine receptor 1; plus strand). Cytogenetic location: 19q13.2.
Variant type: single nucleotide variant.
Coding change: c.3952G>A on transcript NM_000540.3 (MANE Select); coding-DNA position 3952, G replaced by A.
Protein change: p.Ala1318Thr; replaces alanine 1318 with threonine.
Molecular consequence: missense variant.
Genome position (GRCh38, 1-based): chr19:38,473,563, G>A. VCF-style: chr19-38473563-G-A. GRCh37 (hg19) VCF-style: chr19-38964203-G-A.
Other names: c.3952G>A, p.Ala1318Thr (NM_001042723.2); c.3952G>A (NM_000540.2); short protein forms A1318T.
Identifiers: ClinVar variation 1494426 (VCV001494426.7), dbSNP rs755824571, ClinGen allele CA065382.
Genomic context (GRCh38, chr19:38,473,563, plus strand): 5'-CAGCACTTCCGCTGCACTGCAGGGGCCACCCCGCTGGCACCTCCTGGCCTGCAGCCCCCC[G>A]CCGAGGACGAGGCCCGGGCGGCGGAACCCGACCCTGACTACGAAAACCTGCGCCGCTCAG-3'
Protein context (NP_000531.2, residues 1308-1328): PLAPPGLQPP[Ala1318Thr]EDEARAAEPD